The following is an entry in ClinVar:

NM_022167.4(XYLT2):c.1270C>T (p.Arg424Cys)

Gene: XYLT2 (xylosyltransferase 2; plus strand). Cytogenetic location: 17q21.33.
Variant type: single nucleotide variant.
Coding change: c.1270C>T on transcript NM_022167.4 (MANE Select); coding-DNA position 1270, C replaced by T.
Protein change: p.Arg424Cys; replaces arginine 424 with cysteine.
Molecular consequence: missense variant.
Genome position (GRCh38, 1-based): chr17:50,355,962, C>T. VCF-style: chr17-50355962-C-T. GRCh37 (hg19) VCF-style: chr17-48433323-C-T.
Other names: short protein forms R424C.
Identifiers: ClinVar variation 2316122 (VCV002316122.3), dbSNP rs771892070, ClinGen allele CA8646408.

ClinVar aggregate classification (germline): Uncertain significance. Review status: criteria provided, multiple submitters, no conflicts (2 of 4 stars). 2 submissions from 2 submitters: Uncertain significance (2). Last evaluated 2026-01-05.

Conditions:
Inborn genetic diseases. Identifiers: MedGen C0950123, MeSH D030342.

Allele frequency attached by ClinVar (database versions not stated): gnomAD exomes below 0.00001; TOPMed 0.00002; ExAC 0.00001; gnomAD 0.00003.
gnomAD v4.1: 8 of 1,613,988 alleles (0.0005%); highest among the groups gnomAD compares: African/African-American, 0.0027%; no homozygotes.

Submissions (2):

Labcorp Genetics (formerly Invitae), Labcorp
Classification: Uncertain significance. Last evaluated: 2026-01-05. Review status: criteria provided, single submitter. Criteria: Invitae Variant Classification Sherloc (09022015). Collection method: clinical testing. Allele origin: germline.
Comment: This sequence change replaces arginine, which is basic and polar, with cysteine, which is neutral and slightly polar, at codon 424 of the XYLT2 protein (p.Arg424Cys). This variant is present in population databases (rs771892070, gnomAD 0.02%). This variant has not been reported in the literature in individuals affected with XYLT2-related conditions. ClinVar contains an entry for this variant (Variation ID: 2316122). Invitae Evidence Modeling of protein sequence and biophysical properties (such as structural, functional, and spatial information, amino acid conservation, physicochemical variation, residue mobility, and thermodynamic stability) indicates that this missense variant is not expected to disrupt XYLT2 protein function with a negative predictive value of 80%. In summary, the available evidence is currently insufficient to determine the role of this variant in disease. Therefore, it has been classified as a Variant of Uncertain Significance.

Ambry Genetics
Classification: Uncertain significance for Inborn genetic diseases. Last evaluated: 2022-10-04. Review status: criteria provided, single submitter. Criteria: Ambry Variant Classification Scheme 2023. Collection method: clinical testing. Allele origin: germline.